The following is an entry in ClinVar:

ClinVar aggregate classification (germline): Uncertain significance. Review status: criteria provided, multiple submitters, no conflicts (2 of 4 stars). 2 submissions from 2 submitters: Uncertain significance (2). Last evaluated 2025-06-27.

Conditions:
Long QT syndrome (LQTS). Identifiers: MedGen C0023976, MeSH D008133, MONDO:0002442. Disease mechanism: loss of function. Inheritance: Various modes of inheritance.

Submissions (2):

Labcorp Genetics (formerly Invitae), Labcorp
Classification: Uncertain significance for Long QT syndrome. Last evaluated: 2025-06-27. Review status: criteria provided, single submitter. Criteria: Invitae Variant Classification Sherloc (09022015). Collection method: clinical testing. Allele origin: germline.
Comment: This variant, c.695_700del, results in the deletion of 2 amino acid(s) of the KCNH2 protein (p.Arg232_Ala233del), but otherwise preserves the integrity of the reading frame. This variant is not present in population databases (gnomAD no frequency). This variant has not been reported in the literature in individuals affected with KCNH2-related conditions. ClinVar contains an entry for this variant (Variation ID: 1163878). Experimental studies and prediction algorithms are not available or were not evaluated, and the functional significance of this variant is currently unknown. In summary, the available evidence is currently insufficient to determine the role of this variant in disease. Therefore, it has been classified as a Variant of Uncertain Significance.

Mayo Clinic Laboratories, Mayo Clinic
Classification: Uncertain significance. Last evaluated: 2020-12-03. Review status: criteria provided, single submitter. Criteria: ACMG Guidelines, 2015. Collection method: clinical testing. Allele origin: germline. Observed: 1 variant allele.

NM_000238.4(KCNH2):c.695_700del (p.Arg232_Ala233del)

Gene: KCNH2 (potassium voltage-gated channel subfamily H member 2; minus strand). Cytogenetic location: 7q36.1.
Variant type: Deletion.
Coding change: c.695_700del on transcript NM_000238.4 (MANE Select); coding-DNA positions 695 to 700, 6 bases deleted (GTGCGC; older notation c.695_700delGTGCGC).
Protein change: p.Arg232_Ala233del.
Molecular consequence: inframe deletion. On other transcripts: inframe indel (6).
Genome position (GRCh38, 1-based): chr7:150,958,275-150,958,280, GCGCAC deleted on the plus strand (GTGCGC on the coding strand, the reverse complement: KCNH2 is on the minus strand); deleting any 6 consecutive bases within chr7:150,958,275-150,958,282 gives the same sequence; the c. name uses the placement nearest the transcript's 3' end. VCF-style (leftmost placement, unchanged base first): chr7-150958274-AGCGCAC-A. GRCh37 (hg19) VCF-style: chr7-150655362-AGCGCAC-A.
Other names: c.695_700del6 (NM_000238.3); c.405_410delGCGTGC, p.Arg136_Ala137del (NM_001406753.1, NM_001406756.1); c.516_521delGCGTGC, p.Arg173_Ala174del (NM_001406755.1); c.393_398delGCGTGC, p.Arg132_Ala133del (NM_001406757.1); c.693_698delGCGTGC, p.Arg232_Ala233del (NM_172056.3).
Identifiers: ClinVar variation 1163878 (VCV001163878.9), dbSNP rs2117004912, ClinGen allele CA2499218807.